The following is an entry in ClinVar:

ClinVar aggregate classification (germline): Likely benign. Review status: criteria provided, multiple submitters, no conflicts (2 of 4 stars). 3 submissions from 3 submitters: Likely benign (3). Last evaluated 2025-10-13.

Conditions:
Autosomal recessive limb-girdle muscular dystrophy type 2J (LGMDR10). Also called: Limb-girdle muscular dystrophy, type 2J; MUSCULAR DYSTROPHY, LIMB-GIRDLE, AUTOSOMAL RECESSIVE 10. Identifiers: Orphanet 140922, MedGen C1837342, MONDO:0012127, OMIM 608807.
Dilated cardiomyopathy 1G (CMD1G). Identifiers: Orphanet 154, MedGen C1858763, MONDO:0011400, OMIM 604145.
Cardiovascular phenotype. Identifiers: MedGen CN230736.

Allele frequency attached by ClinVar (database versions not stated): TOPMed 0.00001.
gnomAD v4.1: 7 of 1,612,328 alleles (0.00043%); highest among the groups gnomAD compares: Middle Eastern, 0.017%; no homozygotes.

Submissions (3):

Labcorp Genetics (formerly Invitae), Labcorp
Classification: Likely benign for Dilated cardiomyopathy 1G; Autosomal recessive limb-girdle muscular dystrophy type 2J. Last evaluated: 2025-10-13. Review status: criteria provided, single submitter. Criteria: Invitae Variant Classification Sherloc (09022015). Collection method: clinical testing. Allele origin: germline.

CeGaT Center for Human Genetics Tuebingen
Classification: Likely benign. Last evaluated: 2025-09-01. Review status: criteria provided, single submitter. Criteria: CeGaT Center For Human Genetics Tuebingen Variant Classification Criteria Version 2. Collection method: clinical testing. Allele origin: germline. Affected: yes. Observed: 1 variant allele.
Comment: TTN: BP4, BP7

Ambry Genetics
Classification: Likely benign for Cardiovascular phenotype. Last evaluated: 2025-02-09. Review status: criteria provided, single submitter. Criteria: Ambry Variant Classification Scheme 2023. Collection method: clinical testing. Allele origin: germline.

NM_001267550.2(TTN):c.55284C>T (p.Asp18428=)

Genes: TTN (titin; minus strand), TTN-AS1 (TTN antisense RNA 1; plus strand). Cytogenetic location: 2q31.2.
Variant type: single nucleotide variant.
Coding change: c.55284C>T on transcript NM_001267550.2 (MANE Select); coding-DNA position 55284, C replaced by T.
Protein change: p.Asp18428=; no amino-acid change (aspartic acid 18428 retained).
Molecular consequence: synonymous variant.
Genome position (GRCh38, 1-based): chr2:178,601,900, G>A on the plus strand (C>T on the coding strand, the complement: TTN is on the minus strand). VCF-style: chr2-178601900-G-A. GRCh37 (hg19) VCF-style: chr2-179466627-G-A.
Other names: c.50361C>T, p.Asp16787= (NM_001256850.1); c.28089C>T, p.Asp9363= (NM_003319.4); c.47580C>T, p.Asp15860= (NM_133378.4); c.28464C>T, p.Asp9488= (NM_133432.3); c.28665C>T, p.Asp9555= (NM_133437.4).
Identifiers: ClinVar variation 1086456 (VCV001086456.17), dbSNP rs1343753783, ClinGen allele CA430269339.
Genomic context (GRCh38, chr2:178,601,900, plus strand): 5'-AGTCAACCATATTCTGAATTATTTTAATTATTATTTTTTTACCTGTGCATCTTCGGGTAT[G>A]TCATGAACTCCATCCTATTAGAAAAGGAGACAGTCAGTTGTAGTATAAATACTCCTTATA-3'
Protein context (NP_001254479.2, residues 18418-18438): AKKAMKDGVH[Asp18428=]IPEDAQLETA